The following is an entry in ClinVar:

ClinVar aggregate classification (germline): Uncertain significance (1 of 4 stars; one submission).

Allele frequency attached by ClinVar (database versions not stated): gnomAD exomes 0.00001 and 0.00003; TOPMed 0.00001; ExAC 0.00002; gnomAD 0.00002 and 0.00003; ESP Exome Variant Server 0.00008.
gnomAD v4.1: 54 of 1,611,124 alleles (0.0034%); highest among the groups gnomAD compares: African/African-American, 0.004%; no homozygotes.

Submission:

Labcorp Genetics (formerly Invitae), Labcorp
Classification: Uncertain significance. Last evaluated: 2022-12-23. Review status: criteria provided, single submitter. Criteria: Invitae Variant Classification Sherloc (09022015). Collection method: clinical testing. Allele origin: germline.
Comment: This sequence change replaces threonine, which is neutral and polar, with methionine, which is neutral and non-polar, at codon 124 of the SEPT9 protein (p.Thr124Met). This variant is present in population databases (rs367650017, gnomAD 0.005%). This variant has not been reported in the literature in individuals affected with SEPT9-related conditions. ClinVar contains an entry for this variant (Variation ID: 1682601). Advanced modeling of protein sequence and biophysical properties (such as structural, functional, and spatial information, amino acid conservation, physicochemical variation, residue mobility, and thermodynamic stability) performed at Invitae indicates that this missense variant is not expected to disrupt SEPT9 protein function. In summary, the available evidence is currently insufficient to determine the role of this variant in disease. Therefore, it has been classified as a Variant of Uncertain Significance.

NM_001113491.2(SEPTIN9):c.425C>T (p.Thr142Met)

Gene: SEPTIN9 (septin 9; plus strand). Cytogenetic location: 17q25.3.
Variant type: single nucleotide variant.
Coding change: c.425C>T on transcript NM_001113491.2 (MANE Select); coding-DNA position 425, C replaced by T.
Protein change: p.Thr142Met; replaces threonine 142 with methionine.
Molecular consequence: missense variant. On other transcripts: 5 prime UTR variant (2).
Genome position (GRCh38, 1-based): chr17:77,402,407, C>T. VCF-style: chr17-77402407-C-T. GRCh37 (hg19) VCF-style: chr17-75398489-C-T.
Other names: c.-68C>T (NM_001113492.2, NM_001113494.1); c.404C>T, p.Thr135Met (NM_001113493.2); c.368C>T, p.Thr123Met (NM_001293695.2); c.371C>T, p.Thr124Met (NM_006640.5); short protein forms T123M, T124M, T135M, T142M.
Identifiers: ClinVar variation 1682601 (VCV001682601.7), dbSNP rs367650017, ClinGen allele CA8793202.